The following is an entry in ClinVar:

ClinVar aggregate classification (germline): Uncertain significance (1 of 4 stars; one submission).

Conditions:
Hereditary cancer-predisposing syndrome. Also called: Tumor predisposition; Neoplastic Syndromes, Hereditary; Hereditary neoplastic syndrome; Hereditary Cancer Syndrome. Identifiers: Orphanet 140162, MedGen C0027672, MeSH D009386, MONDO:0015356.

Submission:

Ambry Genetics
Classification: Uncertain significance for Hereditary cancer-predisposing syndrome. Last evaluated: 2025-08-27. Review status: criteria provided, single submitter. Criteria: Ambry Variant Classification Scheme 2023. Collection method: clinical testing. Allele origin: germline.
Comment: The p.H435P variant (also known as c.1304A>C), located in coding exon 13 of the MUTYH gene, results from an A to C substitution at nucleotide position 1304. The histidine at codon 435 is replaced by proline, an amino acid with similar properties. This amino acid position is conserved. In addition, this alteration is predicted to be tolerated by in silico analysis. Based on the available evidence, the clinical significance of this variant remains unclear.

NM_001048174.2(MUTYH):c.1220A>C (p.His407Pro)

Gene: MUTYH (mutY DNA glycosylase; minus strand). Cytogenetic location: 1p34.1.
Variant type: single nucleotide variant.
Coding change: c.1220A>C on transcript NM_001048174.2 (MANE Select); coding-DNA position 1220, A replaced by C.
Protein change: p.His407Pro; replaces histidine 407 with proline.
Molecular consequence: missense variant. On other transcripts: non-coding transcript variant (7).
Genome position (GRCh38, 1-based): chr1:45,331,439, T>G on the plus strand (A>C on the coding strand, the complement: MUTYH is on the minus strand). VCF-style: chr1-45331439-T-G. GRCh37 (hg19) VCF-style: chr1-45797111-T-G.
Other names: c.1220A>C, p.His407Pro (NM_001407088.1, NM_001407089.1, NM_001048171.2 and 6 more transcripts); c.944A>C, p.His315Pro (NM_001407091.1, NM_001293192.2, NM_001293196.2); c.1295A>C, p.His432Pro (NM_012222.3); c.1223A>C, p.His408Pro (NM_001048172.2, NM_001407071.1, NM_001407078.1 and 1 more transcripts); c.1304A>C, p.His435Pro (NM_001128425.2); c.1265A>C, p.His422Pro (NM_001293190.2); c.1253A>C, p.His418Pro (NM_001293191.2, NM_001407077.1, NM_001407069.1); c.875A>C, p.His292Pro (NM_001350650.2, NM_001350651.2, NM_001407082.1); and 5 more; short protein forms H408P, H418P, H435P, H379P, H393P, H394P, H421P, H422P.
Identifiers: ClinVar variation 4112789 (VCV004112789.1).
Genomic context (GRCh38, chr1:45,331,439, plus strand): 5'-CTCAAAAGCCAACATCCTTGGCTATTCCGCTGCTCACTTACCTCCCCAAGGTGCCGGAGG[T>G]GCGTGGCTGGGAGGGGCCCAGCCCAACGCTGTAGTTCCTGCAGCAGGGCCTTGCGCTGAA-3'
Protein context (NP_001041639.1, residues 397-417): QRWAGPLPAT[His407Pro]LRHLGEVVHT